The following is an entry in ClinVar:

NM_020884.7(MYH7B):c.5304+12_5304+33del

Gene: MYH7B (myosin heavy chain 7B; plus strand). Cytogenetic location: 20q11.22.
Variant type: Deletion.
Coding change: c.5304+12_5304+33del on transcript NM_020884.7 (MANE Select); bases 12 to 33 of the intron after coding-DNA position 5304, 22 bases deleted (CAAGGGCTGTGGGGAGCCTGGG).
Molecular consequence: intron variant.
Genome position (GRCh38, 1-based): chr20:35,000,905-35,000,926, CAAGGGCTGTGGGGAGCCTGGG deleted; deleting any 22 consecutive bases within chr20:35,000,900-35,000,926 gives the same sequence; the c. name uses the placement nearest the transcript's 3' end. VCF-style (leftmost placement, unchanged base first): chr20-35000899-GCTGGGCAAGGGCTGTGGGGAGC-G. GRCh37 (hg19) VCF-style: chr20-33588702-GCTGGGCAAGGGCTGTGGGGAGC-G.
Identifiers: ClinVar variation 3658656 (VCV003658656.2).

ClinVar aggregate classification (germline): Uncertain significance (1 of 4 stars; one submission).

Submission:

Labcorp Genetics (formerly Invitae), Labcorp
Classification: Uncertain significance. Last evaluated: 2024-07-03. Review status: criteria provided, single submitter. Criteria: Invitae Variant Classification Sherloc (09022015). Collection method: clinical testing. Allele origin: germline.
Comment: This sequence change falls in intron 40 of the MYH7B gene. It does not directly change the encoded amino acid sequence of the MYH7B protein. This variant is present in population databases (no rsID available, gnomAD 0.007%). This variant has not been reported in the literature in individuals affected with MYH7B-related conditions. In summary, the available evidence is currently insufficient to determine the role of this variant in disease. Therefore, it has been classified as a Variant of Uncertain Significance.